The following is an entry in ClinVar:

ClinVar aggregate classification (germline): Pathogenic (1 of 4 stars; one submission).

Submission:

Illumina Laboratory Services, Illumina
Classification: Pathogenic. Last evaluated: 2019-05-21. Review status: criteria provided, single submitter. Criteria: ICSL CNVClassificationCriteria Jul2020Prior. Collection method: clinical testing. Allele origin: unknown.
Comment: This CNV is a 36 kb deletion of 1p36.33, on chromosome 1 (seq[GRCh37]del(1)(1p36.33); chr1:g.1418289_1454405del) which is inherited. This CNV constitutes a loss that disrupts two genes, resulting in the loss of exons 1-5 of the ATAD3A gene and part of the ATAD3B gene. Similar deletions have been identified in a biallelic state in nine individuals affected with Harel-Yoon syndrome (Harel et al. 2016; Peeters-Scholte et al. 2017; Desai et al. 2017). Heterozygous carriers of the ATAD3A-ATAD3B deletions did not show a clinical phenotype (Harel et al. 2016; Peeters-Scholte et al. 2017; Desai et al. 2017). Heterozygous Atad3a knockout mice also show no phenotype, whereas homozygous deletion is embryonic lethal (Goller et al. 2013). Based on the collective evidence, this CNV is classified as pathogenic.

Literature cited by the submitters: PubMed 23372768; PubMed 27640307; PubMed 28549128; PubMed 29053797.

GRCh37/hg19 1p36.33(chr1:1418289-1454405)x1

Genes: ATAD3A (ATPase family AAA domain containing 3A; plus strand), ATAD3B (ATPase family AAA domain containing 3B; plus strand). Cytogenetic location: 1p36.33.
Variant type: copy number loss.
Change: copy number 1 (one copy instead of two) of chr1:1,418,289-1,454,405 (36.1 kb, GRCh37 coordinates, 1-based), cytogenetic band 1p36.33.
Identifiers: ClinVar variation 1180503 (VCV001180503.4).